The following is an entry in ClinVar:

ClinVar aggregate classification (germline): Uncertain significance (1 of 4 stars; one submission).

Submission:

GeneDx
Classification: Uncertain significance. Last evaluated: 2024-05-24. Review status: criteria provided, single submitter. Criteria: GeneDx Variant Classification Process June 2021. Collection method: clinical testing. Allele origin: germline. Affected: yes.
Comment: Not observed at significant frequency in large population cohorts (gnomAD); In silico analysis supports that this missense variant has a deleterious effect on protein structure/function; Has not been previously published as pathogenic or benign to our knowledge

NM_001012614.2(CTBP1):c.65T>A (p.Leu22Gln)

Gene: CTBP1 (C-terminal binding protein 1; minus strand). Cytogenetic location: 4p16.3.
Variant type: single nucleotide variant.
Coding change: c.65T>A on transcript NM_001012614.2 (MANE Select); coding-DNA position 65, T replaced by A.
Protein change: p.Leu22Gln; replaces leucine 22 with glutamine.
Molecular consequence: missense variant.
Genome position (GRCh38, 1-based): chr4:1,238,280, A>T on the plus strand (T>A on the coding strand, the complement: CTBP1 is on the minus strand). VCF-style: chr4-1238280-A-T. GRCh37 (hg19) VCF-style: chr4-1232068-A-T.
Other names: c.98T>A, p.Leu33Gln (NM_001328.3, NM_001377186.1); c.65T>A, p.Leu22Gln (NM_001377187.1, NM_001377188.1, NM_001377189.1 and 4 more transcripts); short protein forms L22Q, L33Q.
Identifiers: ClinVar variation 3383653 (VCV003383653.1).